The following is an entry in ClinVar:

ClinVar aggregate classification (germline): Conflicting classifications of pathogenicity. Review status: criteria provided, conflicting classifications (1 of 4 stars). 2 submissions from 2 submitters: Uncertain significance (1); Likely benign (1). Last evaluated 2025-09-25.

Conditions:
CNOT3-related disorder. Also called: CNOT3-related condition.

gnomAD v4.1: 31 of 1,599,260 alleles (0.0019%); highest among the groups gnomAD compares: Admixed American, 0.036%; no homozygotes.

Submissions (2):

Labcorp Genetics (formerly Invitae), Labcorp
Classification: Uncertain significance. Last evaluated: 2025-09-25. Review status: criteria provided, single submitter. Criteria: Invitae Variant Classification Sherloc (09022015). Collection method: clinical testing. Allele origin: germline.
Comment: This sequence change falls in intron 13 of the CNOT3 gene. It does not directly change the encoded amino acid sequence of the CNOT3 protein. It affects a nucleotide within the consensus splice site. This variant is present in population databases (no rsID available, gnomAD 0.003%). This variant has not been reported in the literature in individuals affected with CNOT3-related conditions. Variants that disrupt the consensus splice site are a relatively common cause of aberrant splicing (PMID: 17576681, 9536098). Algorithms developed to predict the effect of sequence changes on RNA splicing suggest that this variant is not likely to affect RNA splicing. In summary, the available evidence is currently insufficient to determine the role of this variant in disease. Therefore, it has been classified as a Variant of Uncertain Significance.

PreventionGenetics, part of Exact Sciences
Classification: Likely benign for CNOT3-related condition. Last evaluated: 2025-09-14. Review status: criteria provided, single submitter. Criteria: ACMG Guidelines, 2015. Collection method: clinical testing. Allele origin: germline.
Comment: This variant is classified as likely benign based on ACMG/AMP sequence variant interpretation guidelines (Richards et al. 2015 PMID: 25741868, with internal and published modifications).

Literature cited by the submitters: PubMed 17576681 (cited by Labcorp Genetics (formerly Invitae), Labcorp); PubMed 9536098 (cited by Labcorp Genetics (formerly Invitae), Labcorp).

NM_014516.4(CNOT3):c.1605+4G>T

Gene: CNOT3 (CCR4-NOT transcription complex subunit 3; plus strand). Cytogenetic location: 19q13.42.
Variant type: single nucleotide variant.
Coding change: c.1605+4G>T on transcript NM_014516.4 (MANE Select); 4 bases into the intron after coding-DNA position 1605, G replaced by T.
Molecular consequence: intron variant.
Genome position (GRCh38, 1-based): chr19:54,149,762, G>T. VCF-style: chr19-54149762-G-T. GRCh37 (hg19) VCF-style: chr19-54653497-G-T.
Other names: c.1062+4G>T (NM_001440660.1, NM_001440659.1); c.1608+4G>T (NM_001440663.1, NM_001440657.1, NM_001440662.1 and 3 more transcripts); c.1605+4G>T (NM_001440664.1, NM_001440658.1, NM_001440656.1 and 2 more transcripts).
Identifiers: ClinVar variation 4781430 (VCV004781430.2).